The following is an entry in ClinVar:

NM_017514.5(PLXNA3):c.1428T>C (p.Tyr476=)

Gene: PLXNA3 (plexin A3; plus strand). Cytogenetic location: Xq28.
Variant type: single nucleotide variant.
Coding change: c.1428T>C on transcript NM_017514.5 (MANE Select); coding-DNA position 1428, T replaced by C.
Protein change: p.Tyr476=; no amino-acid change (tyrosine 476 retained).
Molecular consequence: synonymous variant.
Genome position (GRCh38, 1-based): chrX:154,463,501, T>C. VCF-style: chrX-154463501-T-C. GRCh37 (hg19) VCF-style: chrX-153691844-T-C.
Identifiers: ClinVar variation 4993698 (VCV004993698.1).

ClinVar aggregate classification (germline): Likely benign (1 of 4 stars; one submission).

Conditions:
PLXNA3-related disorder. Also called: PLXNA3-related condition.

Submission:

PreventionGenetics, part of Exact Sciences
Classification: Likely benign for PLXNA3-related condition. Last evaluated: 2026-07-17. Review status: criteria provided, single submitter. Criteria: ACMG Guidelines, 2015. Collection method: clinical testing. Allele origin: germline.
Comment: This variant is classified as likely benign based on ACMG/AMP sequence variant interpretation guidelines (Richards et al. 2015 PMID: 25741868, with internal and published modifications).